The following is an entry in ClinVar:

ClinVar aggregate classification (germline): Conflicting classifications of pathogenicity. Review status: criteria provided, conflicting classifications (1 of 4 stars). 2 submissions from 2 submitters: Likely pathogenic (1); Uncertain significance (1). Last evaluated 2025-06-01.

Conditions:
Neurodevelopmental disorder with or without hyperkinetic movements and seizures, autosomal recessive. Identifiers: MedGen C4693325, MONDO:0060629, OMIM 617820.
Developmental and epileptic encephalopathy 101 (DEE101). Identifiers: MedGen C5676955, MONDO:0030727, OMIM 619814.
Neurodevelopmental disorder with or without hyperkinetic movements and seizures, autosomal dominant. Also called: Intellectual disability, autosomal dominant 8. Identifiers: MedGen C3280282, MONDO:0013655, OMIM 614254.

Submissions (2):

CeGaT Center for Human Genetics Tuebingen
Classification: Likely pathogenic. Last evaluated: 2025-06-01. Review status: criteria provided, single submitter. Criteria: CeGaT Center For Human Genetics Tuebingen Variant Classification Criteria Version 2. Collection method: clinical testing. Allele origin: germline. Affected: yes. Observed: 1 variant allele.
Comment: GRIN1: PM1, PM2, PM5, PS2:Moderate

Juno Genomics, Hangzhou Juno Genomics, Inc
Classification: Uncertain significance for Developmental and epileptic encephalopathy 101; Neurodevelopmental disorder with or without hyperkinetic movements and seizures, autosomal dominant; Neurodevelopmental disorder with or without hyperkinetic movements and seizures, autosomal recessive. Review status: criteria provided, single submitter. Criteria: ACMG Guidelines, 2015. Collection method: clinical testing. Allele origin: germline. Affected: yes.
Comment: Absent from controls (or at extremely low frequency if recessive) in Genome Aggregation Database, Exome Sequencing Project, 1000 Genomes Project, or Exome Aggregation Consortium.;Assumed de novo, but without confirmation of paternity and maternity.;Patient's phenotype or family history is highly specific for a disease with a single genetic etiology.

NM_007327.4(GRIN1):c.1975C>G (p.Arg659Gly)

Gene: GRIN1 (glutamate ionotropic receptor NMDA type subunit 1; plus strand). Cytogenetic location: 9q34.3.
Variant type: single nucleotide variant.
Coding change: c.1975C>G on transcript NM_007327.4 (MANE Select); coding-DNA position 1975, C replaced by G.
Protein change: p.Arg659Gly; replaces arginine 659 with glycine.
Molecular consequence: missense variant.
Genome position (GRCh38, 1-based): chr9:137,162,701, C>G. VCF-style: chr9-137162701-C-G. GRCh37 (hg19) VCF-style: chr9-140057153-C-G.
Other names: c.1975C>G, p.Arg659Gly (NM_000832.7, NM_021569.4); c.2038C>G, p.Arg680Gly (NM_001185090.2, NM_001185091.2); short protein forms R659G, R680G.
Identifiers: ClinVar variation 3382998 (VCV003382998.12).